The following is an entry in ClinVar:

NM_152594.3(SPRED1):c.774T>G (p.Tyr258Ter)

Gene: SPRED1 (sprouty related EVH1 domain containing 1; plus strand). Cytogenetic location: 15q14.
Variant type: single nucleotide variant.
Coding change: c.774T>G on transcript NM_152594.3 (MANE Select); coding-DNA position 774, T replaced by G.
Protein change: p.Tyr258Ter; replaces tyrosine 258 with a stop codon.
Molecular consequence: nonsense.
Genome position (GRCh38, 1-based): chr15:38,351,103, T>G. VCF-style: chr15-38351103-T-G. GRCh37 (hg19) VCF-style: chr15-38643304-T-G.
Other names: short protein forms Y258*.
Identifiers: ClinVar variation 620355 (VCV000620355.2), dbSNP rs1566876690, ClinGen allele CA391933209.

ClinVar aggregate classification (germline): Likely pathogenic. Review status: criteria provided, multiple submitters, no conflicts (2 of 4 stars). 2 submissions from 2 submitters: Likely pathogenic (2). Last evaluated 2023-03-24.

Conditions:
Legius syndrome. Identifiers: Orphanet 137605, MedGen C1969623, MONDO:0012669, OMIM 611431. Disease mechanism: loss of function.

Submissions (2):

Institute of Human Genetics, FAU Erlangen, Friedrich-Alexander-Universität Erlangen-Nürnberg
Classification: Likely pathogenic for Legius syndrome. Last evaluated: 2023-03-24. Review status: criteria provided, single submitter. Criteria: Hauer et al. (Genet Med. 2018). Collection method: clinical testing. Allele origin: germline. Inheritance: Autosomal dominant inheritance. Affected: yes. Observed: 2 variant alleles.
Comment: This variant has been identified by standard clinical testing. Selected ACMG criteria: Likely pathogenic (I):PM2;PVS1

GeneDx
Classification: Likely pathogenic. Last evaluated: 2018-09-11. Review status: criteria provided, single submitter. Criteria: GeneDx Variant Classification (06012015). Collection method: clinical testing. Allele origin: germline. Affected: yes.
Comment: The Y258X variant has not been published as a pathogenic variant, nor has it been reported as a benign variant to our knowledge. The variant is not observed in large population cohorts (Lek et al., 2016). The variant is predicted to cause loss of normal protein function through protein truncation. We consider this variant to be likely pathogenic.